The following is an entry in ClinVar:

NM_000059.4(BRCA2):c.2270A>G (p.Lys757Arg)

Gene: BRCA2 (BRCA2 DNA repair associated; plus strand). Cytogenetic location: 13q13.1.
Variant type: single nucleotide variant.
Coding change: c.2270A>G on transcript NM_000059.4 (MANE Select); coding-DNA position 2270, A replaced by G.
Protein change: p.Lys757Arg; replaces lysine 757 with arginine.
Molecular consequence: missense variant.
Genome position (GRCh38, 1-based): chr13:32,336,625, A>G. VCF-style: chr13-32336625-A-G. GRCh37 (hg19) VCF-style: chr13-32910762-A-G.
Other names: short protein forms K757R.
Identifiers: ClinVar variation 628301 (VCV000628301.27), dbSNP rs763035556, ClinGen allele CA6940590.

ClinVar aggregate classification (germline): Conflicting classifications of pathogenicity. Review status: criteria provided, conflicting classifications (1 of 4 stars). 7 submissions from 7 submitters: Uncertain significance (5); Likely benign (2). Last evaluated 2024-06-09.

Conditions:
BRCA2-related cancer predisposition. Identifiers: MedGen CN377758, MONDO:0700269.
Hereditary cancer-predisposing syndrome. Also called: Neoplastic Syndromes, Hereditary; Tumor predisposition; Hereditary neoplastic syndrome; Hereditary Cancer Syndrome. Identifiers: Orphanet 140162, MedGen C0027672, MeSH D009386, MONDO:0015356.
Hereditary breast ovarian cancer syndrome. Also called: Hereditary breast and ovarian cancer syndrome; Hereditary breast and ovarian cancer; Hereditary breast and ovarian cancer syndrome (HBOC); Breast and ovarian cancer; Hereditary breast and/or ovarian cancer syndrome; BRCA1- and BRCA2-Associated Hereditary Breast and Ovarian Cancer. Identifiers: Orphanet 145, MedGen C0677776, MeSH D061325, MONDO:0003582. Disease mechanism: loss of function.

Allele frequency attached by ClinVar (database versions not stated): gnomAD exomes below 0.00001; ExAC 0.00001; gnomAD 0.00001.

Submissions (7):

All of Us Research Program, National Institutes of Health
Classification: Uncertain significance for BRCA2-related cancer predisposition. Last evaluated: 2024-06-09. Review status: criteria provided, single submitter. Criteria: ACMG Guidelines, 2015. Collection method: clinical testing. Allele origin: germline. Inheritance: Autosomal dominant inheritance. Observed: 4 variant alleles, 4 heterozygotes.
Comment: This missense variant replaces lysine with arginine at codon 757 of the BRCA2 protein. Computational prediction suggests that this variant may not impact protein structure and function. To our knowledge, functional studies have not been reported for this variant. This variant has been reported in an unaffected individual (PMID: 38566028). In a large breast cancer case-control study conducted by the BRIDGES consortium, this variant was reported in 1/60466 cases and 2/53461 unaffected controls (PMID: 33471991; Leiden Open Variation Database DB-ID BRCA2_001707). This variant has been identified in 1/251224 chromosomes in the general population by the Genome Aggregation Database (gnomAD). The available evidence is insufficient to determine the role of this variant in disease conclusively. Therefore, this variant is classified as a Variant of Uncertain Significance.

This study involves interpretation of variants in research participants for the purpose of population health screening. Participant phenotype was not available at the time of variant classification. Additional details can be found in publication PMID: 35346344, PMCID: PMC8962531

Color Diagnostics, LLC DBA Color Health
Classification: Uncertain significance for Hereditary cancer-predisposing syndrome. Last evaluated: 2024-05-22. Review status: criteria provided, single submitter. Criteria: ACMG Guidelines, 2015. Collection method: clinical testing. Allele origin: germline.
Comment: This missense variant replaces lysine with arginine at codon 757 of the BRCA2 protein. Computational prediction suggests that this variant may not impact protein structure and function. To our knowledge, functional studies have not been reported for this variant. This variant has been reported in an unaffected individual (PMID: 38566028). In a large breast cancer case-control study conducted by the BRIDGES consortium, this variant was reported in 1/60466 cases and 2/53461 unaffected controls (PMID: 33471991; Leiden Open Variation Database DB-ID BRCA2_001707). This variant has been identified in 1/251224 chromosomes in the general population by the Genome Aggregation Database (gnomAD). The available evidence is insufficient to determine the role of this variant in disease conclusively. Therefore, this variant is classified as a Variant of Uncertain Significance.

Ambry Genetics
Classification: Uncertain significance for Hereditary cancer-predisposing syndrome. Last evaluated: 2023-04-25. Review status: criteria provided, single submitter. Criteria: Ambry Variant Classification Scheme 2023. Collection method: clinical testing. Allele origin: germline.
Comment: The p.K757R variant (also known as c.2270A>G), located in coding exon 10 of the BRCA2 gene, results from an A to G substitution at nucleotide position 2270. The lysine at codon 757 is replaced by arginine, an amino acid with highly similar properties. This amino acid position is poorly conserved in available vertebrate species. In addition, this alteration is predicted to be tolerated by in silico analysis. Since supporting evidence is limited at this time, the clinical significance of this alteration remains unclear.

University of Washington Department of Laboratory Medicine, University of Washington
Classification: Likely benign for Hereditary cancer-predisposing syndrome. Last evaluated: 2023-03-23. Review status: criteria provided, single submitter. Criteria: Dines et al. (Genet Med. 2020). Collection method: curation. Allele origin: germline.
Comment: Missense variant in a coldspot region where missense variants are very unlikely to be pathogenic (PMID:31911673).

BRCA2 exon 11 coldspot. Reclassification based on statistical prior probability.

Labcorp Genetics (formerly Invitae), Labcorp
Classification: Likely benign for Hereditary breast ovarian cancer syndrome. Last evaluated: 2022-10-22. Review status: criteria provided, single submitter. Criteria: Invitae Variant Classification Sherloc (09022015). Collection method: clinical testing. Allele origin: germline.

Quest Diagnostics Nichols Institute San Juan Capistrano
Classification: Uncertain significance. Last evaluated: 2020-09-11. Review status: criteria provided, single submitter. Criteria: Quest Diagnostics criteria. Collection method: clinical testing. Allele origin: unknown.

GeneDx
Classification: Uncertain significance. Last evaluated: 2019-12-02. Review status: criteria provided, single submitter. Criteria: GeneDx Variant Classification Process June 2021. Collection method: clinical testing. Allele origin: germline. Affected: yes.
Comment: Not observed in large population cohorts (Lek 2016); In silico analysis, which includes protein predictors and evolutionary conservation, supports that this variant does not alter protein structure/function; Has not been previously published as pathogenic or benign to our knowledge; Also known as 2498A>G; This variant is associated with the following publications: (PMID: 31065835)

Literature cited by the submitters: PubMed 33471991 (cited by All of Us Research Program, National Institutes of Health and Color Diagnostics, LLC DBA Color Health); PubMed 38566028 (cited by All of Us Research Program, National Institutes of Health and Color Diagnostics, LLC DBA Color Health).